The following is an entry in ClinVar:

ClinVar aggregate classification (germline): Uncertain significance (1 of 4 stars; one submission).

Conditions:
Congenital disorder of deglycosylation (CDDG). Identifiers: MedGen C3808991, MONDO:0031376.

Allele frequency attached by ClinVar (database versions not stated): TOPMed below 0.00001.
gnomAD v4.1: 2 of 1,422,014 alleles (0.00014%); highest among the groups gnomAD compares: Non-Finnish European, 0.000093%; no homozygotes.

Submission:

Labcorp Genetics (formerly Invitae), Labcorp
Classification: Uncertain significance for Congenital disorder of deglycosylation. Last evaluated: 2023-08-24. Review status: criteria provided, single submitter. Criteria: Invitae Variant Classification Sherloc (09022015). Collection method: clinical testing. Allele origin: germline.
Comment: This variant has not been reported in the literature in individuals affected with NGLY1-related conditions. This sequence change replaces proline, which is neutral and non-polar, with leucine, which is neutral and non-polar, at codon 483 of the NGLY1 protein (p.Pro483Leu). This variant is not present in population databases (gnomAD no frequency). ClinVar contains an entry for this variant (Variation ID: 944229). Advanced modeling of protein sequence and biophysical properties (such as structural, functional, and spatial information, amino acid conservation, physicochemical variation, residue mobility, and thermodynamic stability) performed at Invitae indicates that this missense variant is not expected to disrupt NGLY1 protein function. In summary, the available evidence is currently insufficient to determine the role of this variant in disease. Therefore, it has been classified as a Variant of Uncertain Significance.

NM_018297.4(NGLY1):c.1448C>T (p.Pro483Leu)

Gene: NGLY1 (N-glycanase 1; minus strand). Cytogenetic location: 3p24.2.
Variant type: single nucleotide variant.
Coding change: c.1448C>T on transcript NM_018297.4 (MANE Select); coding-DNA position 1448, C replaced by T.
Protein change: p.Pro483Leu; replaces proline 483 with leucine.
Molecular consequence: missense variant.
Genome position (GRCh38, 1-based): chr3:25,729,296, G>A on the plus strand (C>T on the coding strand, the complement: NGLY1 is on the minus strand). VCF-style: chr3-25729296-G-A. GRCh37 (hg19) VCF-style: chr3-25770787-G-A.
Other names: c.1394C>T, p.Pro465Leu (NM_001145293.2); c.1322C>T, p.Pro441Leu (NM_001145294.2); c.1448C>T, p.Pro483Leu (NM_001145295.2); short protein forms P465L, P441L, P483L.
Identifiers: ClinVar variation 944229 (VCV000944229.5), dbSNP rs763452939, ClinGen allele CA351897171.